The following is an entry in ClinVar:

ClinVar aggregate classification (germline): Benign (1 of 4 stars; one submission).

Conditions:
Familial adenomatous polyposis 1 (FAP1). Also called: FAMILIAL ADENOMATOUS POLYPOSIS 1, ATTENUATED; POLYPOSIS, ADENOMATOUS INTESTINAL. Identifiers: MedGen C2713442, MONDO:0021056, OMIM 175100. Disease mechanism: loss of function.

Submission:

Myriad Genetics, Inc.
Classification: Benign for Familial adenomatous polyposis 1. Last evaluated: 2024-04-05. Review status: criteria provided, single submitter. Criteria: Myriad Autosomal Dominant, Autosomal Recessive and X-Linked Classification Criteria (2023). Collection method: clinical testing. Allele origin: unknown.
Comment: This variant is considered benign. This variant is a silent/synonymous amino acid change and it is not expected to impact splicing.

NM_000038.6(APC):c.6756C>T (p.Pro2252=)

Gene: APC (APC regulator of Wnt signaling pathway; plus strand). Cytogenetic location: 5q22.2.
Variant type: single nucleotide variant.
Coding change: c.6756C>T on transcript NM_000038.6 (MANE Select); coding-DNA position 6756, C replaced by T.
Protein change: p.Pro2252=; no amino-acid change (proline 2252 retained).
Molecular consequence: synonymous variant. On other transcripts: non-coding transcript variant (2).
Genome position (GRCh38, 1-based): chr5:112,842,350, C>T. VCF-style: chr5-112842350-C-T. GRCh37 (hg19) VCF-style: chr5-112178047-C-T.
Other names: c.6756C>T, p.Pro2252= (NM_001127510.3, NM_001354895.2, NM_001407450.1); c.6702C>T, p.Pro2234= (NM_001127511.3); c.6810C>T, p.Pro2270= (NM_001354896.2, NM_001407447.1, NM_001407448.1 and 1 more transcripts); c.6786C>T, p.Pro2262= (NM_001354897.2); c.6681C>T, p.Pro2227= (NM_001354898.2); c.6672C>T, p.Pro2224= (NM_001354899.2); c.6633C>T, p.Pro2211= (NM_001354900.2); c.6579C>T, p.Pro2193= (NM_001354901.2, NM_001407453.1); and 11 more.
Identifiers: ClinVar variation 3254133 (VCV003254133.1), dbSNP rs2149972433.